The following is an entry in ClinVar:

ClinVar aggregate classification (germline): Pathogenic/Likely pathogenic. Review status: criteria provided, multiple submitters, no conflicts (2 of 4 stars). 4 submissions from 4 submitters: Pathogenic (2); Likely pathogenic (2). Last evaluated 2025-09-02.

Conditions:
PHGDH deficiency. Identifiers: Orphanet 79351, MedGen C1866174, MONDO:0011152, OMIM 601815.
Neu-Laxova syndrome 1 (NLS1). Identifiers: Orphanet 2671, Orphanet 583607, MedGen C4551478, MONDO:0009736, OMIM 256520. Disease mechanism: loss of function.

Allele frequency attached by ClinVar (database versions not stated): TOPMed below 0.00001; ExAC 0.00001.
gnomAD v4.1: 10 of 1,614,132 alleles (0.00062%); highest among the groups gnomAD compares: Admixed American, 0.0033%; no homozygotes.

Submissions (4):

Natera, Inc.
Classification: Likely pathogenic for Phosphoglycerate dehydrogenase deficiency. Last evaluated: 2025-09-02. Review status: criteria provided, single submitter. Criteria: Natera Variant Classification Schema (03/2026). Collection method: clinical testing. Allele origin: germline.
Comment: The c.874C>T variant in PHGDH is a nonsense variant predicted to introduce a stop codon at amino acid 292. This variant is expected to result in nonsense mediated decay, truncation, or a dysfunctional protein product. This variant is rare in the general population with a frequency below the threshold expected for the associated phenotype(s). Given the available evidence, this variant is classified as Likely Pathogenic.

Women's Health and Genetics/Laboratory Corporation of America, LabCorp
Classification: Pathogenic for PHGDH deficiency. Last evaluated: 2024-11-06. Review status: criteria provided, single submitter. Criteria: LabCorp Variant Classification Summary - May 2015. Collection method: clinical testing. Allele origin: germline.
Comment: Variant summary: PHGDH c.874C>T (p.Gln292X) results in a premature termination codon, predicted to cause a truncation of the encoded protein or absence of the protein due to nonsense mediated decay, which are commonly known mechanisms for disease. The variant allele was found at a frequency of 1.2e-05 in 251354 control chromosomes. To our knowledge, no occurrence of c.874C>T in individuals affected with Phosphoglycerate Dehydrogenase Deficiency and no experimental evidence demonstrating its impact on protein function have been reported. ClinVar contains an entry for this variant (Variation ID: 1406185). Based on the evidence outlined above, the variant was classified as pathogenic.

Labcorp Genetics (formerly Invitae), Labcorp
Classification: Pathogenic for PHGDH deficiency. Last evaluated: 2024-05-15. Review status: criteria provided, single submitter. Criteria: Invitae Variant Classification Sherloc (09022015). Collection method: clinical testing. Allele origin: germline.
Comment: This sequence change creates a premature translational stop signal (p.Gln292*) in the PHGDH gene. It is expected to result in an absent or disrupted protein product. Loss-of-function variants in PHGDH are known to be pathogenic (PMID: 14645240, 24836451). This variant is present in population databases (rs749134845, gnomAD 0.006%). This variant has not been reported in the literature in individuals affected with PHGDH-related conditions. ClinVar contains an entry for this variant (Variation ID: 1406185). For these reasons, this variant has been classified as Pathogenic.

Fulgent Genetics
Classification: Likely pathogenic for Neu-Laxova syndrome 1; PHGDH deficiency. Last evaluated: 2024-03-14. Review status: criteria provided, single submitter. Criteria: ACMG Guidelines, 2015. Collection method: clinical testing. Allele origin: germline.

Literature cited by the submitters: PubMed 14645240 (cited by Labcorp Genetics (formerly Invitae), Labcorp); PubMed 24836451 (cited by Labcorp Genetics (formerly Invitae), Labcorp).

NM_006623.4(PHGDH):c.874C>T (p.Gln292Ter)

Gene: PHGDH (phosphoglycerate dehydrogenase; plus strand). Cytogenetic location: 1p12.
Variant type: single nucleotide variant.
Coding change: c.874C>T on transcript NM_006623.4 (MANE Select); coding-DNA position 874, C replaced by T.
Protein change: p.Gln292Ter; replaces glutamine 292 with a stop codon.
Molecular consequence: nonsense.
Genome position (GRCh38, 1-based): chr1:119,737,195, C>T. VCF-style: chr1-119737195-C-T. GRCh37 (hg19) VCF-style: chr1-120279818-C-T.
Other names: c.874C>T (NM_006623.3); short protein forms Q292*.
Identifiers: ClinVar variation 1406185 (VCV001406185.9), dbSNP rs749134845, ClinGen allele CA1037279.